The following is an entry in ClinVar:

ClinVar aggregate classification (germline): Likely pathogenic. Review status: criteria provided, multiple submitters, no conflicts (2 of 4 stars). 2 submissions from 2 submitters: Likely pathogenic (2). Last evaluated 2025-08-05.

Conditions:
Early-infantile DEE. Also called: Early infantile epileptic encephalopathy; Ohtahara syndrome; Early infantile epileptic encephalopathy with suppression bursts. Identifiers: Orphanet 1934, MedGen C0393706, MONDO:0800491.
Developmental and epileptic encephalopathy 112. Identifiers: MedGen C5882700, MONDO:0957812, OMIM 620537.

Allele frequency attached by ClinVar (database versions not stated): gnomAD 0.00001; gnomAD exomes below 0.00001.
gnomAD v4.1: 2 of 1,599,230 alleles (0.00013%); highest among the groups gnomAD compares: African/African-American, 0.0014%; no homozygotes.

Submissions (2):

3billion
Classification: Likely pathogenic for Developmental and epileptic encephalopathy 112. Last evaluated: 2025-08-05. Review status: criteria provided, single submitter. Criteria: ACMG Guidelines, 2015. Collection method: clinical testing. Allele origin: germline. Affected: yes.
Comment: The variant is observed at an extremely low frequency in the gnomAD v4.1.0 dataset (total allele frequency: <0.001%). Predicted Consequence/Location: Missense variant. Missense changes are a common disease-causing mechanism. In silico tool predictions suggest damaging effect of the variant on gene or gene product [REVEL: 0.95 (>=0.6, sensitivity 0.68 and specificity 0.92); 3Cnet: 0.92 (> 0.75, sensitivity 0.96 and precision 0.92)]. The same nucleotide change resulting in the same amino acid change has been previously reported to be associated with KCNH5-related disorder (ClinVar ID: VCV001488521). Different missense changes at the same codon (p.Arg327His, p.Arg327Ser) have been reported as pathogenic/likely pathogenic with strong evidence (ClinVar ID: VCV000100784, VCV002835906 /3billion dataset). Therefore, this variant is classified as Likely pathogenic according to the recommendation of ACMG/AMP guideline.

Labcorp Genetics (formerly Invitae), Labcorp
Classification: Likely pathogenic for Early-infantile DEE. Last evaluated: 2024-10-23. Review status: criteria provided, single submitter. Criteria: Invitae Variant Classification Sherloc (09022015). Collection method: clinical testing. Allele origin: germline.
Comment: This sequence change replaces arginine, which is basic and polar, with cysteine, which is neutral and slightly polar, at codon 327 of the KCNH5 protein (p.Arg327Cys). This variant is present in population databases (no rsID available, gnomAD 0.006%). This variant has not been reported in the literature in individuals affected with KCNH5-related conditions. ClinVar contains an entry for this variant (Variation ID: 1488521). Invitae Evidence Modeling of protein sequence and biophysical properties (such as structural, functional, and spatial information, amino acid conservation, physicochemical variation, residue mobility, and thermodynamic stability) indicates that this missense variant is expected to disrupt KCNH5 protein function with a positive predictive value of 95%. This variant disrupts the p.Arg327 amino acid residue in KCNH5. Other variant(s) that disrupt this residue have been determined to be pathogenic (PMID: 23647072, 24133262). This suggests that this residue is clinically significant, and that variants that disrupt this residue are likely to be disease-causing. In summary, the currently available evidence indicates that the variant is pathogenic, but additional data are needed to prove that conclusively. Therefore, this variant has been classified as Likely Pathogenic.

Literature cited by the submitters: PubMed 23647072 (cited by Labcorp Genetics (formerly Invitae), Labcorp); PubMed 24133262 (cited by Labcorp Genetics (formerly Invitae), Labcorp).

NM_139318.5(KCNH5):c.979C>T (p.Arg327Cys)

Gene: KCNH5 (potassium voltage-gated channel subfamily H member 5; minus strand). Cytogenetic location: 14q23.2.
Variant type: single nucleotide variant.
Coding change: c.979C>T on transcript NM_139318.5 (MANE Select); coding-DNA position 979, C replaced by T.
Protein change: p.Arg327Cys; replaces arginine 327 with cysteine.
Molecular consequence: missense variant.
Genome position (GRCh38, 1-based): chr14:62,950,523, G>A on the plus strand (C>T on the coding strand, the complement: KCNH5 is on the minus strand). VCF-style: chr14-62950523-G-A. GRCh37 (hg19) VCF-style: chr14-63417241-G-A.
Other names: c.979C>T, p.Arg327Cys (NM_172375.3); short protein forms R327C.
Identifiers: ClinVar variation 1488521 (VCV001488521.8), dbSNP rs1164997707, ClinGen allele CA390103519.